The following is an entry in ClinVar:

ClinVar aggregate classification (germline): Uncertain significance (1 of 4 stars; one submission).

Conditions:
Inborn genetic diseases. Identifiers: MedGen C0950123, MeSH D030342.

Submission:

Ambry Genetics
Classification: Uncertain significance for Inborn genetic diseases. Last evaluated: 2024-10-29. Review status: criteria provided, single submitter. Criteria: Ambry Variant Classification Scheme 2023. Collection method: clinical testing. Allele origin: germline.
Comment: The c.1879_1881delATG (p.M627del) alteration is located in exon 10 (coding exon 8) of the RHOBTB2 gene. This alteration consists of an in-frame deletion of 3 nucleotides between nucleotide positions c.1879 and c.1881, resulting in the deletion of 1 residue. Based on insufficient or conflicting evidence, the clinical significance of this alteration remains unclear.

NM_015178.3(RHOBTB2):c.1810ATG[1] (p.Met605del)

Gene: RHOBTB2 (Rho related BTB domain containing 2; plus strand). Cytogenetic location: 8p21.3.
Variant type: Microsatellite.
Coding change: c.1810ATG[1] on transcript NM_015178.3 (MANE Select); one copy of the 3-base unit ATG starting at c.1810; the reference has two copies in a row; one copy, 3 bases deleted.
Protein change: p.Met605del; deletes methionine 605.
Genome position (GRCh38, 1-based): chr8:23,014,731-23,014,733, ATG deleted; deleting any 3 consecutive bases within chr8:23,014,727-23,014,733 gives the same sequence; the position shown is the placement nearest the transcript's 3' end. VCF-style (leftmost placement, unchanged base first): chr8-23014726-AGAT-A. GRCh37 (hg19) VCF-style: chr8-22872239-AGAT-A.
Other names: c.1876ATG[1], p.Met627del (NM_001160036.2); c.1831ATG[1], p.Met612del (NM_001160037.2); c.1810ATG[1], p.Met605del (NM_001374791.1); short protein forms M605del, M627del, M612del.
Identifiers: ClinVar variation 3433149 (VCV003433149.1).
Genomic context (GRCh38, chr8:23,014,726, plus strand): 5'-GATTGGTGGCCGTGTGTGTTACAGAGCAGTACACAGTGACCGGGCTGATGGAAGCGACCC[AGAT>A]GATGGTGGACATCGATGGGGACGTCCTTGTGTTCCTGGAACTGGCTCAGGTATCATGGCA-3'